The following is an entry in ClinVar:

ClinVar aggregate classification (germline): Uncertain significance (1 of 4 stars; one submission).

Conditions:
Hypercholesterolemia, autosomal dominant, type B (FHCL2). Also called: Hyperlipoproteinemia Type IIb; Familial hypercholesterolemia 2; APOB-Related Familial Hypercholesterolemia, Autosomal Dominant; Familial Hypercholesterolemia Type B; APOLIPOPROTEIN B-100, FAMILIAL DEFECTIVE; APOLIPOPROTEIN B-100, FAMILIAL LIGAND-DEFECTIVE. Identifiers: MedGen C1704417, MONDO:0007751, OMIM 144010.
Familial hypobetalipoproteinemia 1. Also called: Hypobetalipoproteinemia, normotriglyceridemic; Acanthocytosis with hypobetalipoproteinemia; APOB-Related Familial Hypobetalipoproteinemia. Identifiers: MedGen C4551990, MONDO:0014252, OMIM 615558.

Submission:

Labcorp Genetics (formerly Invitae), Labcorp
Classification: Uncertain significance for Familial hypobetalipoproteinemia 1; Hypercholesterolemia, autosomal dominant, type B. Last evaluated: 2023-08-04. Review status: criteria provided, single submitter. Criteria: Invitae Variant Classification Sherloc (09022015). Collection method: clinical testing. Allele origin: germline.
Comment: Advanced modeling of protein sequence and biophysical properties (such as structural, functional, and spatial information, amino acid conservation, physicochemical variation, residue mobility, and thermodynamic stability) performed at Invitae indicates that this missense variant is not expected to disrupt APOB protein function. In summary, the available evidence is currently insufficient to determine the role of this variant in disease. Therefore, it has been classified as a Variant of Uncertain Significance. This sequence change replaces aspartic acid, which is acidic and polar, with histidine, which is basic and polar, at codon 1871 of the APOB protein (p.Asp1871His). This variant is not present in population databases (gnomAD no frequency). This variant has not been reported in the literature in individuals affected with APOB-related conditions. ClinVar contains an entry for this variant (Variation ID: 846894).

NM_000384.3(APOB):c.5611G>C (p.Asp1871His)

Gene: APOB (apolipoprotein B; minus strand). Cytogenetic location: 2p24.1.
Variant type: single nucleotide variant.
Coding change: c.5611G>C on transcript NM_000384.3 (MANE Select); coding-DNA position 5611, G replaced by C.
Protein change: p.Asp1871His; replaces aspartic acid 1871 with histidine.
Molecular consequence: missense variant.
Genome position (GRCh38, 1-based): chr2:21,011,257, C>G on the plus strand (G>C on the coding strand, the complement: APOB is on the minus strand). VCF-style: chr2-21011257-C-G. GRCh37 (hg19) VCF-style: chr2-21234129-C-G.
Other names: short protein forms D1871H.
Identifiers: ClinVar variation 846894 (VCV000846894.15), dbSNP rs1663312467, ClinGen allele CA346004353.
Genomic context (GRCh38, chr2:21,011,257, plus strand): 5'-GCAGTGAGTCTGAATTATAGTTTGTGCTCATGTCAATGGCTGAAGCCAGCCCAGCGATGT[C>G]TGTGTTGAGCCGATGGCTAAACTCCACACCCTGAACCTTAGCAACAGTGTCTGCTTTATA-3'
Protein context (NP_000375.3, residues 1861-1881): GVEFSHRLNT[Asp1871His]IAGLASAIDM